The following is an entry in ClinVar:

NM_004086.3(COCH):c.1139_1142dup (p.Ser381delinsArgTer)

Genes: COCH (cochlin; plus strand), COCH-AS1 (COCH antisense RNA 1; minus strand). Cytogenetic location: 14q12.
Variant type: Duplication.
Coding change: c.1139_1142dup on transcript NM_004086.3 (MANE Select); coding-DNA positions 1139 to 1142, 4 bases duplicated (ATAG; older notation c.1139_1142dupATAG).
Protein change: p.Ser381delinsArgTer.
Molecular consequence: nonsense. On other transcripts: non-coding transcript variant (1).
Genome position (GRCh38, 1-based): chr14:30,885,974-30,885,977, ATAG duplicated; duplicating any 4 consecutive bases within chr14:30,885,972-30,885,977 gives the same sequence; the c. name uses the placement nearest the transcript's 3' end. VCF-style (leftmost placement, unchanged base first): chr14-30885971-G-GAGAT. GRCh37 (hg19) VCF-style: chr14-31355177-G-GAGAT.
Other names: c.1139_1142dup, p.Ser381delinsArgTer (NM_001135058.2); c.1334_1337dup, p.Ser446delinsArgTer (NM_001347720.2).
Identifiers: ClinVar variation 2144768 (VCV002144768.3), dbSNP rs777627665, ClinGen allele CA7143270.

ClinVar aggregate classification (germline): Pathogenic. Review status: criteria provided, multiple submitters, no conflicts (2 of 4 stars). 2 submissions from 2 submitters: Pathogenic (2). Last evaluated 2026-03-05.

Conditions:
Hearing loss, autosomal recessive 110. Also called: DEAFNESS, AUTOSOMAL RECESSIVE 110. Identifiers: MedGen C4748162, MONDO:0054860, OMIM 618094.

Submissions (2):

Victorian Clinical Genetics Services, Murdoch Childrens Research Institute
Classification: Pathogenic for Hearing loss, autosomal recessive 110. Last evaluated: 2026-03-05. Review status: criteria provided, single submitter. Criteria: ACMG Guidelines, 2015. Collection method: clinical testing. Allele origin: germline. Affected: yes.
Comment: This variant is classified as Pathogenic. Evidence in support of pathogenic classification: Variant is predicted to cause nonsense-mediated decay (NMD) and loss of protein (premature termination codon is located at least 54 nucleotides upstream of the final exon-exon junction); Variant is present in gnomAD <0.01 (v4: 8 heterozygote(s), 0 homozygote(s)); This variant has limited previous evidence of pathogenicity in an unrelated individual(s). This variant has been classified as pathogenic in ClinVar; Other NMD-predicted variant(s) comparable to the one identified in this case have very strong previous evidence for pathogenicity (DECIPHER, PMID: 32562050). Additional information: This variant is heterozygous; This gene is associated with both recessive and dominant disease (PMID: 25230692, 32562050); No published evidence of segregation with disease has been identified for this variant; No published functional evidence has been identified for this variant; Loss of function is a known mechanism of disease in this gene and is associated with autosomal recessive deafness 110 (MIM#618094; PMID: 32562050). Dominant negative is also a likely mechanism of disease in this gene and is associated with autosomal dominant deafness 9 (MIM#601369; PMID: 25230692); Inheritance information for this variant is not currently available in this individual.

Labcorp Genetics (formerly Invitae), Labcorp
Classification: Pathogenic. Last evaluated: 2022-06-28. Review status: criteria provided, single submitter. Criteria: Invitae Variant Classification Sherloc (09022015). Collection method: clinical testing. Allele origin: germline.
Comment: This sequence change creates a premature translational stop signal (p.Ser381Argfs*2) in the COCH gene. It is expected to result in an absent or disrupted protein product. Loss-of-function variants in COCH are known to be pathogenic (PMID: 29449721, 31126177). This variant is present in population databases (rs777627665, gnomAD 0.007%). This variant has not been reported in the literature in individuals affected with COCH-related conditions. For these reasons, this variant has been classified as Pathogenic.

Literature cited by the submitters: PubMed 25230692 (cited by Victorian Clinical Genetics Services, Murdoch Childrens Research Institute); PubMed 32562050 (cited by Victorian Clinical Genetics Services, Murdoch Childrens Research Institute); PubMed 29449721 (cited by Labcorp Genetics (formerly Invitae), Labcorp); PubMed 31126177 (cited by Labcorp Genetics (formerly Invitae), Labcorp).